The following is an entry in ClinVar:

NM_001163278.2(TENM1):c.5595G>A (p.Thr1865=)

Gene: TENM1 (teneurin transmembrane protein 1; minus strand). Cytogenetic location: Xq25.
Variant type: single nucleotide variant.
Coding change: c.5595G>A on transcript NM_001163278.2 (MANE Select); coding-DNA position 5595, G replaced by A.
Protein change: p.Thr1865=; no amino-acid change (threonine 1865 retained).
Molecular consequence: synonymous variant.
Genome position (GRCh38, 1-based): chrX:124,392,145, C>T on the plus strand (G>A on the coding strand, the complement: TENM1 is on the minus strand). VCF-style: chrX-124392145-C-T. GRCh37 (hg19) VCF-style: chrX-123525995-C-T.
Other names: c.5592G>A, p.Thr1864= (NM_001163279.1); c.5574G>A, p.Thr1858= (NM_014253.3).
Identifiers: ClinVar variation 2661361 (VCV002661361.24), dbSNP rs374310338, ClinGen allele CA10509593.

ClinVar aggregate classification (germline): Likely benign (1 of 4 stars; one submission).

Allele frequency attached by ClinVar (database versions not stated): ESP Exome Variant Server 0.00009; gnomAD 0.00021; ExAC 0.00023; gnomAD exomes 0.00029; TOPMed 0.00038.
gnomAD v4.1: 348 of 1,208,695 alleles (0.029%); highest among the groups gnomAD compares: Non-Finnish European, 0.034%; 1 homozygote.

Submission:

CeGaT Center for Human Genetics Tuebingen
Classification: Likely benign. Last evaluated: 2022-12-01. Review status: criteria provided, single submitter. Criteria: CeGaT Center For Human Genetics Tuebingen Variant Classification Criteria Version 2. Collection method: clinical testing. Allele origin: germline. Affected: yes. Observed: 1 variant allele.
Comment: TENM1: BP4, BP7, BS2